The following is an entry in ClinVar:

NM_005751.5(AKAP9):c.5978-4A>G

Gene: AKAP9 (A-kinase anchoring protein 9; plus strand). Cytogenetic location: 7q21.2.
Variant type: single nucleotide variant.
Coding change: c.5978-4A>G on transcript NM_005751.5 (MANE Select); 4 bases into the intron before coding-DNA position 5978, A replaced by G.
Molecular consequence: intron variant.
Genome position (GRCh38, 1-based): chr7:92,065,227, A>G. VCF-style: chr7-92065227-A-G. GRCh37 (hg19) VCF-style: chr7-91694541-A-G.
Other names: c.5978-4A>G (NM_147185.3); c.623-4A>G (NM_001379277.1).
Identifiers: ClinVar variation 220501 (VCV000220501.61), dbSNP rs147494754, ClinGen allele CA349790.

ClinVar aggregate classification (germline): Benign/Likely benign. Review status: criteria provided, multiple submitters, no conflicts (2 of 4 stars). 11 submissions from 11 submitters: Benign (4); Likely benign (4). 3 of the submissions do not count toward it. Last evaluated 2026-02-01.

Conditions:
Cardiovascular phenotype. Identifiers: MedGen CN230736.
AKAP9-related disorder. Also called: AKAP9-related condition.
Long QT syndrome (LQTS). Identifiers: MedGen C0023976, MeSH D008133, MONDO:0002442. Disease mechanism: loss of function. Inheritance: Various modes of inheritance.
Long QT syndrome 11 (LQT11). Identifiers: Orphanet 101016, Orphanet 768, MedGen C2678483, MONDO:0012738, OMIM 611820.

Allele frequency attached by ClinVar (database versions not stated): 1000 Genomes Project 0.00080; 1000 Genomes Project 30x 0.00109; TOPMed 0.00168; gnomAD 0.00170 and 0.00175; gnomAD exomes 0.00190 and 0.00349; ESP Exome Variant Server 0.00246; ExAC 0.00260.
gnomAD v4.1: 5,061 of 1,551,668 alleles (0.33%); highest among the groups gnomAD compares: Non-Finnish European, 0.43%; 11 homozygotes.

Submissions (11):

Labcorp Genetics (formerly Invitae), Labcorp
Classification: Benign for Long QT syndrome. Last evaluated: 2026-02-01. Review status: criteria provided, single submitter. Criteria: Invitae Variant Classification Sherloc (09022015). Collection method: clinical testing. Allele origin: germline.

Blueprint Genetics
Classification: Likely benign. Last evaluated: 2024-11-19. Review status: criteria provided, single submitter. Criteria: ACMG Guidelines, 2015. Collection method: clinical testing. Allele origin: germline.

ARUP Laboratories, Molecular Genetics and Genomics, ARUP Laboratories
Classification: Likely benign for Long QT syndrome 11. Last evaluated: 2023-09-18. Review status: criteria provided, single submitter. Criteria: ARUP Molecular Germline Variant Investigation Process 2024. Collection method: clinical testing. Allele origin: germline.

CeGaT Center for Human Genetics Tuebingen
Classification: Benign. Last evaluated: 2023-03-01. Review status: criteria provided, single submitter. Criteria: CeGaT Center For Human Genetics Tuebingen Variant Classification Criteria Version 2. Collection method: clinical testing. Allele origin: germline. Affected: yes. Observed: 3 variant alleles.
Comment: AKAP9: BS1, BS2

Women's Health and Genetics/Laboratory Corporation of America, LabCorp
Classification: Benign. Last evaluated: 2021-07-27. Review status: criteria provided, single submitter. Criteria: LabCorp Variant Classification Summary - May 2015. Collection method: clinical testing. Allele origin: germline.
Comment: Variant summary: AKAP9 c.5978-4A>G alters a conserved nucleotide located close to a canonical splice site and therefore could affect mRNA splicing, leading to a significantly altered protein sequence. 4/4 computational tools predict no significant impact on normal splicing. However, these predictions have yet to be confirmed by functional studies. The variant allele was found at a frequency of 0.0019 in 244260 control chromosomes in the gnomAD database, including 1 homozygote. The observed variant frequency is approximately 570 fold of the estimated maximal expected allele frequency for a pathogenic variant in AKAP9 causing Long QT Syndrome phenotype (3.3e-06), strongly suggesting that the variant is benign. To our knowledge, no occurrence of c.5978-4A>G in individuals affected with Long QT Syndrome and no experimental evidence demonstrating its impact on protein function have been reported. Five clinical diagnostic laboratories have submitted clinical-significance assessments for this variant to ClinVar after 2014 without evidence for independent evaluation. Based on the evidence outlined above, the variant was classified as benign.

Ambry Genetics
Classification: Likely benign for Cardiovascular phenotype. Last evaluated: 2018-12-11. Review status: criteria provided, single submitter. Criteria: Ambry Variant Classification Scheme 2023. Collection method: clinical testing. Allele origin: germline.

Genome Diagnostics Laboratory, University Medical Center Utrecht
Classification: Likely benign for Long QT syndrome 11. Last evaluated: 2017-04-11. Review status: criteria provided, single submitter. Criteria: ACGS Guidelines, 2013. Collection method: clinical testing. Allele origin: germline. Affected: yes. Study: VKGL Data-share Consensus.

GeneDx
Classification: Benign. Last evaluated: 2015-03-03. Review status: criteria provided, single submitter. Criteria: GeneDx Variant Classification Process June 2021. Collection method: clinical testing. Allele origin: germline. Affected: yes.

PreventionGenetics, part of Exact Sciences
Classification: Likely benign for AKAP9-related condition. Last evaluated: 2019-05-08. Review status: no assertion criteria provided. Collection method: clinical testing. Allele origin: germline. Not counted in ClinVar's aggregate classification.
Comment: This variant is classified as likely benign based on ACMG/AMP sequence variant interpretation guidelines (Richards et al. 2015 PMID: 25741868, with internal and published modifications).

Clinical Genetics, Academic Medical Center
Classification: Benign. Review status: no assertion criteria provided. Collection method: clinical testing. Allele origin: germline. Affected: yes. Study: VKGL Data-share Consensus. Not counted in ClinVar's aggregate classification.

Joint Genome Diagnostic Labs from Nijmegen and Maastricht, Radboudumc and MUMC+
Classification: Benign. Review status: no assertion criteria provided. Collection method: clinical testing. Allele origin: germline. Affected: yes. Study: VKGL Data-share Consensus. Not counted in ClinVar's aggregate classification.